The following is an entry in ClinVar:

NM_001040716.2(PC):c.2695del (p.Gln899fs)

Gene: PC (pyruvate carboxylase; minus strand). Cytogenetic location: 11q13.2.
Variant type: Deletion.
Coding change: c.2695del on transcript NM_001040716.2 (MANE Select); coding-DNA position 2695, one base deleted (C; older notation c.2695delC).
Protein change: p.Gln899fs; shifts the reading frame from glutamine 899.
Molecular consequence: frameshift variant.
Genome position (GRCh38, 1-based): chr11:66,850,243, G deleted on the plus strand (C on the coding strand, the reverse complement: PC is on the minus strand); the first of 2 consecutive G bases (chr11:66,850,243-66,850,244); deleting either gives the same sequence. VCF-style (leftmost placement, unchanged base first): chr11-66850242-TG-T. GRCh37 (hg19) VCF-style: chr11-66617713-TG-T.
Other names: c.2695del, p.Gln899fs (NM_000920.4, NM_022172.3); short protein forms Q899fs.
Identifiers: ClinVar variation 1725131 (VCV001725131.2), dbSNP rs2495421429, ClinGen allele CA2580084569.

ClinVar aggregate classification (germline): Likely pathogenic (1 of 4 stars; one submission).

Conditions:
Pyruvate carboxylase deficiency. Also called: ATAXIA WITH LACTIC ACIDOSIS II; LEIGH NECROTIZING ENCEPHALOPATHY DUE TO PYRUVATE CARBOXYLASE DEFICIENCY; LEIGH SYNDROME DUE TO PYRUVATE CARBOXYLASE DEFICIENCY; PC DEFICIENCY; Pyruvate Carboxylase Deficiency Disease. Identifiers: Orphanet 3008, MedGen C0034341, MONDO:0009949, OMIM 266150.

Submission:

Myriad Genetics, Inc.
Classification: Likely pathogenic for Pyruvate carboxylase deficiency. Last evaluated: 2022-03-08. Review status: criteria provided, single submitter. Criteria: Myriad Women's Health Autosomal Recessive and X-Linked Classification Criteria (2021). Collection method: clinical testing. Allele origin: unknown.
Comment: NM_000920.3(PC):c.2695delC(Q899Rfs*9) is expected to be pathogenic in the context of pyruvate carboxylase deficiency. This variant is predicted to lead to an abnormal or absent protein product due to the creation of a premature termination codon in PC, a gene where loss-of-function variants are known to be pathogenic. Please note: this variant was assessed in the context of healthy population screening.